The following is an entry in ClinVar:

NM_000038.6(APC):c.3770A>G (p.Glu1257Gly)

Gene: APC (APC regulator of Wnt signaling pathway; plus strand). Cytogenetic location: 5q22.2.
Variant type: single nucleotide variant.
Coding change: c.3770A>G on transcript NM_000038.6 (MANE Select); coding-DNA position 3770, A replaced by G.
Protein change: p.Glu1257Gly; replaces glutamic acid 1257 with glycine.
Molecular consequence: missense variant.
Genome position (GRCh38, 1-based): chr5:112,839,364, A>G. VCF-style: chr5-112839364-A-G. GRCh37 (hg19) VCF-style: chr5-112175061-A-G.
Other names: c.3770A>G, p.Glu1257Gly (NM_001127510.3, NM_001354895.2, NM_001407450.1); c.3716A>G, p.Glu1239Gly (NM_001127511.3); c.3824A>G, p.Glu1275Gly (NM_001354896.2, NM_001407447.1, NM_001407448.1 and 1 more transcripts); c.3800A>G, p.Glu1267Gly (NM_001354897.2); c.3695A>G, p.Glu1232Gly (NM_001354898.2); c.3686A>G, p.Glu1229Gly (NM_001354899.2); c.3647A>G, p.Glu1216Gly (NM_001354900.2); c.3593A>G, p.Glu1198Gly (NM_001354901.2, NM_001407453.1); and 11 more; short protein forms E1131G, E1198G, E1216G, E1229G, E1239G, E1247G, E1285G, E974G.
Identifiers: ClinVar variation 1734759 (VCV001734759.2), dbSNP rs1580639857, ClinGen allele CA16029602.
Genomic context (GRCh38, chr5:112,839,364, plus strand): 5'-AGAGTAGAAGTGGTCAGCCTCAAAAGGCTGCCACTTGCAAAGTTTCTTCTATTAACCAAG[A>G]AACAATACAGACTTATTGTGTAGAAGATACTCCAATATGTTTTTCAAGATGTAGTTCATT-3'
Protein context (NP_000029.2, residues 1247-1267): ATCKVSSINQ[Glu1257Gly]TIQTYCVEDT

ClinVar aggregate classification (germline): Uncertain significance (1 of 4 stars; one submission).

Conditions:
Hereditary cancer-predisposing syndrome. Also called: Neoplastic Syndromes, Hereditary; Tumor predisposition; Hereditary Cancer Syndrome; Hereditary neoplastic syndrome. Identifiers: Orphanet 140162, MedGen C0027672, MeSH D009386, MONDO:0015356.

Submission:

Ambry Genetics
Classification: Uncertain significance for Hereditary cancer-predisposing syndrome. Last evaluated: 2021-11-29. Review status: criteria provided, single submitter. Criteria: Ambry Variant Classification Scheme 2023. Collection method: clinical testing. Allele origin: germline.
Comment: The p.E1257G variant (also known as c.3770A>G), located in coding exon 15 of the APC gene, results from an A to G substitution at nucleotide position 3770. The glutamic acid at codon 1257 is replaced by glycine, an amino acid with similar properties. This amino acid position is highly conserved in available vertebrate species. In addition, in silico predictors for this gene do not accurately predict pathogenicity. Since supporting evidence is limited at this time, the clinical significance of this alteration remains unclear.